The following is an entry in ClinVar:

ClinVar aggregate classification (germline): Likely pathogenic (1 of 4 stars; one submission).

Conditions:
Developmental and epileptic encephalopathy 94 (DEE94). Also called: CHD2-Related Neurodevelopmental Disorders; Epileptic encephalopathy, childhood-onset. Identifiers: Orphanet 1942, Orphanet 2382, MedGen C3809278, MONDO:0014150, OMIM 615369.

Submission:

Juno Genomics, Hangzhou Juno Genomics, Inc
Classification: Likely pathogenic for Developmental and epileptic encephalopathy 94. Review status: criteria provided, single submitter. Criteria: ACMG Guidelines, 2015. Collection method: clinical testing. Allele origin: germline. Affected: yes.
Comment: Absent from controls (or at extremely low frequency if recessive) in Genome Aggregation Database, Exome Sequencing Project, 1000 Genomes Project, or Exome Aggregation Consortium.;Missense variant in a gene that has a low rate of benign missense variation and where missense variants are a common mechanism of disease.;Multiple lines of computational evidence support a deleterious effect on the gene or gene product (conservation, evolutionary, splicing impact, etc).;Located in a mutational hot spot and/or critical and well-established functional domain (e.g. active site of an enzyme) without benign variation.;Patient's phenotype or family history is highly specific for a disease with a single genetic etiology.

NM_001271.4(CHD2):c.1628C>A (p.Ser543Tyr)

Gene: CHD2 (chromodomain helicase DNA binding protein 2; plus strand). Cytogenetic location: 15q26.1.
Variant type: single nucleotide variant.
Coding change: c.1628C>A on transcript NM_001271.4 (MANE Select); coding-DNA position 1628, C replaced by A.
Protein change: p.Ser543Tyr; replaces serine 543 with tyrosine.
Molecular consequence: missense variant.
Genome position (GRCh38, 1-based): chr15:92,953,482, C>A. VCF-style: chr15-92953482-C-A. GRCh37 (hg19) VCF-style: chr15-93496712-C-A.
Other names: short protein forms S543Y.
Identifiers: ClinVar variation 3382683 (VCV003382683.2).
Genomic context (GRCh38, chr15:92,953,482, plus strand): 5'-TCTCCTACCTGTTCCACCAACACCAGCTGTATGGCCCCTTTCTTATAGTCGTCCCTTTAT[C>A]CACCCTCACCTCATGGCAGAGAGAGTTTGAAATCTGGGCACCAGAGATTAACGTAGTGGT-3'
Protein context (NP_001262.3, residues 533-553): YGPFLIVVPL[Ser543Tyr]TLTSWQREFE